The following is an entry in ClinVar:

ClinVar aggregate classification (germline): Uncertain significance. Review status: criteria provided, multiple submitters, no conflicts (2 of 4 stars). 3 submissions from 3 submitters: Uncertain significance (3). Last evaluated 2025-06-26.

Conditions:
Hereditary cancer-predisposing syndrome. Also called: Tumor predisposition; Hereditary neoplastic syndrome; Hereditary Cancer Syndrome; Neoplastic Syndromes, Hereditary. Identifiers: Orphanet 140162, MedGen C0027672, MeSH D009386, MONDO:0015356.
Hereditary nonpolyposis colorectal neoplasms. Identifiers: MedGen C0009405, MeSH D003123.
Lynch syndrome. Identifiers: Orphanet 144, MedGen C4552100, MONDO:0005835. Disease mechanism: loss of function.

Allele frequency attached by ClinVar (database versions not stated): TOPMed below 0.00001.

Submissions (3):

Ambry Genetics
Classification: Uncertain significance for Hereditary cancer-predisposing syndrome. Last evaluated: 2025-06-26. Review status: criteria provided, single submitter. Criteria: Ambry Variant Classification Scheme 2023. Collection method: clinical testing. Allele origin: germline.
Comment: The p.V616L variant (also known as c.1846G>T), located in coding exon 11 of the PMS2 gene, results from a G to T substitution at nucleotide position 1846. The valine at codon 616 is replaced by leucine, an amino acid with highly similar properties. This amino acid position is well conserved in available vertebrate species. In addition, this alteration is predicted to be tolerated by in silico analysis. Based on the available evidence, the clinical significance of this variant remains unclear.

Labcorp Genetics (formerly Invitae), Labcorp
Classification: Uncertain significance for Hereditary nonpolyposis colorectal neoplasms. Last evaluated: 2024-06-04. Review status: criteria provided, single submitter. Criteria: Invitae Variant Classification Sherloc (09022015). Collection method: clinical testing. Allele origin: germline.
Comment: This sequence change replaces valine, which is neutral and non-polar, with leucine, which is neutral and non-polar, at codon 616 of the PMS2 protein (p.Val616Leu). This variant is not present in population databases (gnomAD no frequency). This variant has not been reported in the literature in individuals affected with PMS2-related conditions. ClinVar contains an entry for this variant (Variation ID: 1051125). Advanced modeling of protein sequence and biophysical properties (such as structural, functional, and spatial information, amino acid conservation, physicochemical variation, residue mobility, and thermodynamic stability) has been performed at Invitae for this missense variant, however the output from this modeling did not meet the statistical confidence thresholds required to predict the impact of this variant on PMS2 protein function. In summary, the available evidence is currently insufficient to determine the role of this variant in disease. Therefore, it has been classified as a Variant of Uncertain Significance.

All of Us Research Program, National Institutes of Health
Classification: Uncertain significance for Lynch syndrome. Last evaluated: 2023-06-26. Review status: criteria provided, single submitter. Criteria: ACMG Guidelines, 2015. Collection method: clinical testing. Allele origin: germline. Inheritance: Autosomal dominant inheritance. Observed: 1 variant allele, 1 heterozygote.
Comment: This missense variant replaces valine with leucine at codon 616 of the PMS2 protein. Computational prediction suggests that this variant may not impact protein structure and function (internally defined REVEL score threshold <= 0.5, PMID: 27666373). To our knowledge, functional studies have not been reported for this variant. This variant has not been reported in individuals affected with PMS2-related disorders in the literature. This variant has not been identified in the general population by the Genome Aggregation Database (gnomAD). The available evidence is insufficient to determine the role of this variant in disease conclusively. Therefore, this variant is classified as a Variant of Uncertain Significance.

This study involves interpretation of variants in research participants for the purpose of population health screening. Participant phenotype was not available at the time of variant classification. Additional details can be found in publication PMID: 35346344, PMCID: PMC8962531

NM_000535.7(PMS2):c.1846G>T (p.Val616Leu)

Gene: PMS2 (PMS1 homolog 2, mismatch repair system component; minus strand). Cytogenetic location: 7p22.1.
Variant type: single nucleotide variant.
Coding change: c.1846G>T on transcript NM_000535.7 (MANE Select); coding-DNA position 1846, G replaced by T.
Protein change: p.Val616Leu; replaces valine 616 with leucine.
Molecular consequence: missense variant. On other transcripts: non-coding transcript variant (1).
Genome position (GRCh38, 1-based): chr7:5,986,919, C>A on the plus strand (G>T on the coding strand, the complement: PMS2 is on the minus strand). VCF-style: chr7-5986919-C-A. GRCh37 (hg19) VCF-style: chr7-6026550-C-A.
Other names: c.1441G>T, p.Val481Leu (NM_001322003.2, NM_001322004.2, NM_001322005.2 and 1 more transcripts); c.1690G>T, p.Val564Leu (NM_001322006.2); c.1528G>T, p.Val510Leu (NM_001322007.2, NM_001322008.2); c.1285G>T, p.Val429Leu (NM_001322010.2); c.913G>T, p.Val305Leu (NM_001322011.2, NM_001322012.2); c.1273G>T, p.Val425Leu (NM_001322013.2); c.1846G>T, p.Val616Leu (NM_001322014.2); c.1537G>T, p.Val513Leu (NM_001322015.2); and 1 more; short protein forms V305L, V425L, V429L, V481L, V510L, V513L, V564L, V616L.
Identifiers: ClinVar variation 1051125 (VCV001051125.12), dbSNP rs1782961561, ClinGen allele CA366739608.
Genomic context (GRCh38, chr7:5,986,919, plus strand): 5'-CTTCATGATGTAACTGCTTTATTCGTTTAGCTAAAGAACTCATAGAAAAGTCCAGGGGCA[C>A]AACTTTCTTATTAATTTTCACAGCTACATCAACCTGAGAGGCTGACATGTCCTGAGTATT-3'
Protein context (NP_000526.2, residues 606-626): DVAVKINKKV[Val616Leu]PLDFSMSSLA